The following is an entry in ClinVar:

NM_001276270.2(MBD4):c.1519G>A (p.Ala507Thr)

Gene: MBD4 (methyl-CpG binding domain 4, DNA glycosylase; minus strand). Cytogenetic location: 3q21.3.
Variant type: single nucleotide variant.
Coding change: c.1519G>A on transcript NM_001276270.2 (MANE Select); coding-DNA position 1519, G replaced by A.
Protein change: p.Ala507Thr; replaces alanine 507 with threonine.
Molecular consequence: missense variant.
Genome position (GRCh38, 1-based): chr3:129,433,122, C>T on the plus strand (G>A on the coding strand, the complement: MBD4 is on the minus strand). VCF-style: chr3-129433122-C-T. GRCh37 (hg19) VCF-style: chr3-129151965-C-T.
Other names: c.1537G>A, p.Ala513Thr (NM_001276271.2, NM_001276272.2, NM_003925.3); c.583G>A, p.Ala195Thr (NM_001276273.2); short protein forms A513T, A195T, A507T.
Identifiers: ClinVar variation 4104637 (VCV004104637.1).

ClinVar aggregate classification (germline): Uncertain significance (1 of 4 stars; one submission).

Conditions:
Inborn genetic diseases. Identifiers: MedGen C0950123, MeSH D030342.

Submission:

Ambry Genetics
Classification: Uncertain significance for Inborn genetic diseases. Last evaluated: 2025-08-04. Review status: criteria provided, single submitter. Criteria: Ambry Variant Classification Scheme 2023. Collection method: clinical testing. Allele origin: germline.
Comment: The p.A507T variant (also known as c.1519G>A), located in coding exon 6 of the MBD4 gene, results from a G to A substitution at nucleotide position 1519. The alanine at codon 507 is replaced by threonine, an amino acid with similar properties. This amino acid position is conserved. In addition, this alteration is predicted to be deleterious by in silico analysis. Based on the available evidence, the clinical significance of this variant remains unclear.